The following is an entry in ClinVar:

ClinVar aggregate classification (germline): Pathogenic/Likely pathogenic. Review status: criteria provided, multiple submitters, no conflicts (2 of 4 stars). 7 submissions from 7 submitters: Pathogenic (2); Likely pathogenic (5). Last evaluated 2025-07-29.

Conditions:
COL9A2-related disorder. Also called: COL9A2-related condition.
Epiphyseal dysplasia, multiple, 2 (EDM2). Also called: COL9A2-Related Multiple Epiphyseal Dysplasia. Identifiers: MedGen C1838429, MONDO:0010844, OMIM 600204.
Stickler syndrome, type 5 (STL5). Also called: COL9A2-Related Stickler Syndrome. Identifiers: Orphanet 250984, Orphanet 828, MedGen C3280342, MONDO:0013666, OMIM 614284.

Submissions (7):

Labcorp Genetics (formerly Invitae), Labcorp
Classification: Pathogenic. Last evaluated: 2025-07-29. Review status: criteria provided, single submitter. Criteria: Invitae Variant Classification Sherloc (09022015). Collection method: clinical testing. Allele origin: germline.
Comment: This sequence change creates a premature translational stop signal (p.Gly415Glufs*116) in the COL9A2 gene. It is expected to result in an absent or disrupted protein product. Loss-of-function variants in COL9A2 are known to be pathogenic (PMID: 21671392, 33356723). The frequency data for this variant in the population databases is considered unreliable, as metrics indicate poor data quality at this position in the gnomAD database. This variant has not been reported in the literature in individuals affected with COL9A2-related conditions. ClinVar contains an entry for this variant (Variation ID: 632106). For these reasons, this variant has been classified as Pathogenic.

PreventionGenetics, part of Exact Sciences
Classification: Likely pathogenic for COL9A2-related condition. Last evaluated: 2025-06-03. Review status: criteria provided, single submitter. Criteria: ACMG Guidelines, 2015. Collection method: clinical testing. Allele origin: germline.
Comment: The COL9A2 c.1242delC variant is predicted to result in a frameshift and premature protein termination (p.Gly415Glufs*116). This variant is reported in 0.015% of alleles in individuals of African descent in gnomAD, although gnomAD quality metrics indicate the data quality may be low at this site and therefore allele frequencies should be interpreted with caution. To our knowledge, this variant has not been reported in individuals with autosomal dominant multiple epiphyseal dysplasia, which is typically associated with variants impacting nucleotide c.186 or the adjacent splice donor site (Human Gene Mutation Database, HGMD). Taken together, we interpret this variant to be likely pathogenic for autosomal recessive COL9A2-related Stickler syndrome and uncertain for autosomal dominant multiple epiphyseal dysplasia.

Variantyx, Inc.
Classification: Likely pathogenic for Stickler syndrome, type 5. Last evaluated: 2025-05-09. Review status: criteria provided, single submitter. Criteria: Variantyx Assertion Criteria 2022. Collection method: clinical testing. Allele origin: germline. Inheritance: Autosomal recessive inheritance.
Comment: This is a frameshift variant in the COL9A2 gene (OMIM: 120260). Pathogenic variants in this gene have been associated with autosomal recessive Stickler syndrome type V (provisional association). This variant introduces a premature termination codon in exon 24 out of 32. It is expected to result in loss of function, which is a known disease mechanism for COL9A2 in this disorder (PMID: 21671392, 33356723) (PVS1). This variant has a 0.0056% maximum allele frequency in non-founder control populations (PM2). Based on the current evidence, this variant is classified as likely pathogenic for autosomal recessive Stickler syndrome type V (provisional association).

GeneDx
Classification: Likely pathogenic. Last evaluated: 2023-03-08. Review status: criteria provided, single submitter. Criteria: GeneDx Variant Classification Process June 2021. Collection method: clinical testing. Allele origin: germline. Affected: yes.
Comment: Frameshift variant predicted to result in protein truncation or nonsense mediated decay in a gene for which loss of function is a known mechanism of disease; Not observed at significant frequency in large population cohorts (gnomAD); Has not been previously published as pathogenic or benign to our knowledge

CeGaT Center for Human Genetics Tuebingen
Classification: Pathogenic. Last evaluated: 2022-11-01. Review status: criteria provided, single submitter. Criteria: CeGaT Center For Human Genetics Tuebingen Variant Classification Criteria Version 2. Collection method: clinical testing. Allele origin: germline. Affected: yes. Observed: 1 variant allele.
Comment: COL9A2: PVS1, PM2, PM3:Supporting

Pittsburgh Clinical Genomics Laboratory, University of Pittsburgh Medical Center
Classification: Likely pathogenic for Epiphyseal dysplasia, multiple, 2. Last evaluated: 2022-10-21. Review status: criteria provided, single submitter. Criteria: ACMG Guidelines, 2015. Collection method: clinical testing. Allele origin: germline. Inheritance: Autosomal unknown. Affected: yes.
Comment: This sequence variant is a single nucleotide deletion (delC) at coding position 1242 in the COL9A2 gene which results in an early termition sigl 116 codons downstream from the frameshift at residue 415. Because this termition occurs in exon 28 of 32, this variant is predicted to generate a non-functiol allele through the expression of a truncated protein or a loss of COL9A2 expression due to nonsense-mediated decay. This is a previously reported variant (ClinVar) that has been observed in homozygous state in a patient with suspected Stickler syndrome type V (PMID: 32532877). This variant is present in 20/227864 alleles (0.008%) in the gnomAD control population dataset. Recent studies have demonstrated that loss-of-function variants in COL9A2 are associated with a recessive form of Stickler syndrome. Given the available information, we consider this a likely pathogenic variant. ACMG Criteria: PM3, PVS1

Blueprint Genetics
Classification: Likely pathogenic for COL9A2-related disorders. Last evaluated: 2022-03-21. Review status: criteria provided, single submitter. Criteria: ACMG Guidelines, 2015. Collection method: clinical testing. Allele origin: germline. Affected: yes. Observed: 3 variant alleles.

Literature cited by the submitters: PubMed 21671392 (cited by Labcorp Genetics (formerly Invitae), Labcorp and Variantyx, Inc.); PubMed 33356723 (cited by Labcorp Genetics (formerly Invitae), Labcorp and Variantyx, Inc.); PubMed 32532877 (cited by Pittsburgh Clinical Genomics Laboratory, University of Pittsburgh Medical Center).

NM_001852.4(COL9A2):c.1242del (p.Gly415fs)

Gene: COL9A2 (collagen type IX alpha 2 chain; minus strand). Cytogenetic location: 1p34.2.
Variant type: Deletion.
Coding change: c.1242del on transcript NM_001852.4 (MANE Select); coding-DNA position 1242, one base deleted (C; older notation c.1242delC).
Protein change: p.Gly415fs; shifts the reading frame from glycine 415.
Molecular consequence: frameshift variant.
Genome position (GRCh38, 1-based): chr1:40,304,365, G deleted on the plus strand (C on the coding strand, the reverse complement: COL9A2 is on the minus strand); the first of 7 consecutive G bases (chr1:40,304,365-40,304,371); deleting any one gives the same sequence. VCF-style (leftmost placement, unchanged base first): chr1-40304364-CG-C. GRCh37 (hg19) VCF-style: chr1-40770036-CG-C.
Other names: c.1242del (NM_001852.3); short protein forms G415fs.
Identifiers: ClinVar variation 632106 (VCV000632106.43), dbSNP rs756694568, ClinGen allele CA791520.